The following is an entry in ClinVar:

ClinVar aggregate classification (germline): Uncertain significance. Review status: criteria provided, multiple submitters, no conflicts (2 of 4 stars). 2 submissions from 2 submitters: Uncertain significance (2). Last evaluated 2022-09-13.

Conditions:
Microcephaly, normal intelligence and immunodeficiency (NBS). Also called: Ataxia telangiectasia variant V1; IMMUNODEFICIENCY, MICROCEPHALY, AND CHROMOSOMAL INSTABILITY; SEEMANOVA SYNDROME II; Nijmegen breakage syndrome; Microcephaly with normal intelligence immunodeficiency and lymphoreticular malignancies; Nonsyndromal microcephaly autosomal recessive with normal intelligence. Identifiers: Orphanet 647, MedGen C0398791, MONDO:0009623, OMIM 251260.

Allele frequency attached by ClinVar (database versions not stated): gnomAD exomes below 0.00001.

Submissions (2):

Labcorp Genetics (formerly Invitae), Labcorp
Classification: Uncertain significance for Microcephaly, normal intelligence and immunodeficiency. Last evaluated: 2022-09-13. Review status: criteria provided, single submitter. Criteria: Invitae Variant Classification Sherloc (09022015). Collection method: clinical testing. Allele origin: germline.
Comment: This sequence change creates a premature translational stop signal (p.Glu736Lysfs*15) in the NBN gene. While this is not anticipated to result in nonsense mediated decay, it is expected to disrupt the last 19 amino acid(s) of the NBN protein. This variant is not present in population databases (gnomAD no frequency). This variant has not been reported in the literature in individuals affected with NBN-related conditions. ClinVar contains an entry for this variant (Variation ID: 925816). Experimental studies and prediction algorithms are not available or were not evaluated, and the functional significance of this variant is currently unknown. Algorithms developed to predict the effect of sequence changes on RNA splicing suggest that this variant may disrupt the consensus splice site. In summary, the available evidence is currently insufficient to determine the role of this variant in disease. Therefore, it has been classified as a Variant of Uncertain Significance.

Genome-Nilou Lab
Classification: Uncertain significance for Microcephaly, normal intelligence and immunodeficiency. Last evaluated: 2021-11-07. Review status: criteria provided, single submitter. Criteria: ACMG Guidelines, 2015. Collection method: clinical testing. Allele origin: germline. Affected: no.

NM_002485.5(NBN):c.2206del (p.Glu736fs)

Gene: NBN (nibrin; minus strand). Cytogenetic location: 8q21.3.
Variant type: Deletion.
Coding change: c.2206del on transcript NM_002485.5 (MANE Select); coding-DNA position 2206, one base deleted (G; older notation c.2206delG).
Protein change: p.Glu736fs; shifts the reading frame from glutamic acid 736.
Molecular consequence: frameshift variant.
Genome position (GRCh38, 1-based): chr8:89,937,054, C deleted on the plus strand (G on the coding strand, the reverse complement: NBN is on the minus strand). VCF-style (leftmost placement, unchanged base first): chr8-89937053-TC-T. GRCh37 (hg19) VCF-style: chr8-90949281-TC-T.
Other names: c.1960del, p.Glu654fs (NM_001024688.3); short protein forms E654fs, E736fs.
Identifiers: ClinVar variation 925816 (VCV000925816.7), dbSNP rs1809724889, ClinGen allele CA1139660626.
Genomic context (GRCh38, chr8:89,937,053, plus strand): 5'-AAAGGTACATGAGAAAGGTGAATCAAACTTTACCTAAAAAGATCATCAGCAAGAGACTCT[TC>T]TTTTGCATGTTGATTTTGTACCTGTCAAAATTAACATAATTTCAAACATTTGCTCAGTGG-3'